The following is an entry in ClinVar:

ClinVar aggregate classification (germline): Likely benign. Review status: criteria provided, multiple submitters, no conflicts (2 of 4 stars). 3 submissions from 3 submitters: Likely benign (3). Last evaluated 2025-02-25.

Conditions:
Charcot-Marie-Tooth disease axonal type 2O. Also called: CHARCOT-MARIE-TOOTH NEUROPATHY, AXONAL, TYPE 2O; CHARCOT-MARIE-TOOTH DISEASE, AXONAL, AUTOSOMAL DOMINANT, TYPE 2O; Charcot-Marie-Tooth disease, axonal, type 20; Charcot-Marie-Tooth Neuropathy Type 2O. Identifiers: Orphanet 284232, MedGen C3280220, MONDO:0013644, OMIM 614228.
DYNC1H1-related disorder. Also called: DYNC1H1-related condition; DYNC1H1-related disorders. Identifiers: MedGen CN381529.
Inborn genetic diseases. Identifiers: MedGen C0950123, MeSH D030342.

Allele frequency attached by ClinVar (database versions not stated): gnomAD 0.00003; TOPMed 0.00003.
gnomAD v4.1: 8 of 1,614,074 alleles (0.0005%); highest among the groups gnomAD compares: African/African-American, 0.0053%; no homozygotes.

Submissions (3):

PreventionGenetics, part of Exact Sciences
Classification: Likely benign for DYNC1H1-related condition. Last evaluated: 2025-02-25. Review status: criteria provided, single submitter. Criteria: ACMG Guidelines, 2015. Collection method: clinical testing. Allele origin: germline.
Comment: This variant is classified as likely benign based on ACMG/AMP sequence variant interpretation guidelines (Richards et al. 2015 PMID: 25741868, with internal and published modifications).

Labcorp Genetics (formerly Invitae), Labcorp
Classification: Likely benign for Charcot-Marie-Tooth disease axonal type 2O. Last evaluated: 2024-10-23. Review status: criteria provided, single submitter. Criteria: Invitae Variant Classification Sherloc (09022015). Collection method: clinical testing. Allele origin: germline.

Ambry Genetics
Classification: Likely benign for Inborn genetic diseases. Last evaluated: 2017-05-31. Review status: criteria provided, single submitter. Criteria: Ambry Variant Classification Scheme 2023. Collection method: clinical testing. Allele origin: germline.

NM_001376.5(DYNC1H1):c.1992G>T (p.Arg664=)

Gene: DYNC1H1 (dynein cytoplasmic 1 heavy chain 1; plus strand). Cytogenetic location: 14q32.31.
Variant type: single nucleotide variant.
Coding change: c.1992G>T on transcript NM_001376.5 (MANE Select); coding-DNA position 1992, G replaced by T.
Protein change: p.Arg664=; no amino-acid change (arginine 664 retained).
Molecular consequence: synonymous variant.
Genome position (GRCh38, 1-based): chr14:101,986,217, G>T. VCF-style: chr14-101986217-G-T. GRCh37 (hg19) VCF-style: chr14-102452554-G-T.
Identifiers: ClinVar variation 590171 (VCV000590171.14), dbSNP rs1158129941, ClinGen allele CA488183385.